The following is an entry in ClinVar:

NM_001377540.1(SLMAP):c.911C>T (p.Ala304Val)

Gene: SLMAP (sarcolemma associated protein; plus strand). Cytogenetic location: 3p14.3.
Variant type: single nucleotide variant.
Coding change: c.911C>T on transcript NM_001377540.1 (MANE Select); coding-DNA position 911, C replaced by T.
Protein change: p.Ala304Val; replaces alanine 304 with valine.
Molecular consequence: missense variant. On other transcripts: non-coding transcript variant (1).
Genome position (GRCh38, 1-based): chr3:57,862,031, C>T. VCF-style: chr3-57862031-C-T. GRCh37 (hg19) VCF-style: chr3-57847758-C-T.
Other names: c.911C>T, p.Ala304Val (NM_001304420.3, NM_001304421.2, NM_001377538.1 and 17 more transcripts); short protein forms A304V.
Identifiers: ClinVar variation 1765869 (VCV001765869.2), dbSNP rs200574342, ClinGen allele CA2466965.

ClinVar aggregate classification (germline): Uncertain significance (1 of 4 stars; one submission).

Allele frequency attached by ClinVar (database versions not stated): TOPMed below 0.00001; gnomAD 0.00001; ExAC 0.00002; gnomAD exomes 0.00002; 1000 Genomes Project 30x 0.00016; 1000 Genomes Project 0.00020.
gnomAD v4.1: 24 of 1,597,086 alleles (0.0015%); highest among the groups gnomAD compares: African/African-American, 0.0027%; no homozygotes.

Submission:

Ambry Genetics
Classification: Uncertain significance. Last evaluated: 2022-09-24. Review status: criteria provided, single submitter. Criteria: Ambry Variant Classification Scheme 2023. Collection method: clinical testing. Allele origin: germline.
Comment: The p.A304V variant (also known as c.911C>T), located in coding exon 9 of the SLMAP gene, results from a C to T substitution at nucleotide position 911. The alanine at codon 304 is replaced by valine, an amino acid with similar properties. This amino acid position is conserved. In addition, the in silico prediction for this alteration is inconclusive. Since supporting evidence is limited at this time, the clinical significance of this alteration remains unclear.